The following is an entry in ClinVar:

ClinVar aggregate classification (germline): Uncertain significance. Review status: criteria provided, multiple submitters, no conflicts (2 of 4 stars). 3 submissions from 3 submitters: Uncertain significance (3). Last evaluated 2023-10-10.

Conditions:
Autoinflammatory syndrome. Identifiers: Orphanet 93665, MedGen C3890737, MONDO:0019751.
Deficiency of adenosine deaminase 2. Also called: Adenosine Deaminase 2 Deficiency; Polyarteritis nodosa, childhoood-onset; VASCULITIS, AUTOINFLAMMATION, IMMUNODEFICIENCY, AND HEMATOLOGIC DEFECTS SYNDROME. Identifiers: Orphanet 404553, MedGen C3887654, MONDO:0014306, OMIM 615688, MONDO:0100317.

Allele frequency attached by ClinVar (database versions not stated): ExAC 0.00002; TOPMed 0.00003; gnomAD 0.00004; gnomAD exomes 0.00004 and 0.00006.
gnomAD v4.1: 87 of 1,614,098 alleles (0.0054%); highest among the groups gnomAD compares: Admixed American, 0.0083%; no homozygotes.

Submissions (3):

Blueprint Genetics
Classification: Uncertain significance. Last evaluated: 2023-10-10. Review status: criteria provided, single submitter. Criteria: ACMG Guidelines, 2015. Collection method: clinical testing. Allele origin: germline.

Labcorp Genetics (formerly Invitae), Labcorp
Classification: Uncertain significance for Deficiency of adenosine deaminase 2. Last evaluated: 2022-09-10. Review status: criteria provided, single submitter. Criteria: Invitae Variant Classification Sherloc (09022015). Collection method: clinical testing. Allele origin: germline.
Comment: This sequence change replaces glutamine, which is neutral and polar, with histidine, which is basic and polar, at codon 145 of the ADA2 protein (p.Gln145His). This variant is present in population databases (rs752626692, gnomAD 0.009%). This variant has not been reported in the literature in individuals affected with ADA2-related conditions. ClinVar contains an entry for this variant (Variation ID: 1450888). Algorithms developed to predict the effect of missense changes on protein structure and function (SIFT, PolyPhen-2, Align-GVGD) all suggest that this variant is likely to be tolerated. In summary, the available evidence is currently insufficient to determine the role of this variant in disease. Therefore, it has been classified as a Variant of Uncertain Significance.

Genome Diagnostics Laboratory, The Hospital for Sick Children
Classification: Uncertain significance for Autoinflammatory syndrome. Last evaluated: 2021-08-09. Review status: criteria provided, single submitter. Criteria: ACMG Guidelines, 2015. Collection method: clinical testing. Allele origin: germline. Affected: yes.

NM_001282225.2(ADA2):c.435G>C (p.Gln145His)

Gene: ADA2 (adenosine deaminase 2; minus strand). Cytogenetic location: 22q11.1.
Variant type: single nucleotide variant.
Coding change: c.435G>C on transcript NM_001282225.2 (MANE Select); coding-DNA position 435, G replaced by C.
Protein change: p.Gln145His; replaces glutamine 145 with histidine.
Molecular consequence: missense variant.
Genome position (GRCh38, 1-based): chr22:17,207,178, C>G on the plus strand (G>C on the coding strand, the complement: ADA2 is on the minus strand). VCF-style: chr22-17207178-C-G. GRCh37 (hg19) VCF-style: chr22-17688068-C-G.
Other names: c.435G>C, p.Gln145His (NM_001282226.2); c.309G>C, p.Gln103His (NM_001282227.2, NM_001282228.2); c.75G>C, p.Gln25His (NM_001282229.2); short protein forms Q103H, Q25H, Q145H.
Identifiers: ClinVar variation 1450888 (VCV001450888.7), dbSNP rs752626692, ClinGen allele CA10088230.